The following is an entry in ClinVar:

NM_000143.4(FH):c.1109-15G>T

Gene: FH (fumarate hydratase; minus strand). Cytogenetic location: 1q43.
Variant type: single nucleotide variant.
Coding change: c.1109-15G>T on transcript NM_000143.4 (MANE Select); 15 bases into the intron before coding-DNA position 1109, G replaced by T.
Molecular consequence: intron variant.
Genome position (GRCh38, 1-based): chr1:241,502,585, C>A on the plus strand (G>T on the coding strand, the complement: FH is on the minus strand). VCF-style: chr1-241502585-C-A. GRCh37 (hg19) VCF-style: chr1-241665885-C-A.
Identifiers: ClinVar variation 1603749 (VCV001603749.9), dbSNP rs2147915063, ClinGen allele CA2573132918.
Genomic context (GRCh38, chr1:241,502,585, plus strand): 5'-GCTGCAACCATGGTCATTGCTTCACACTGAGTAGGGTTCACCTTGCCTTCAAGAAAACCA[C>A]CAATGACAGAGTAAAGACTAAATTTATGCAAATAATCAGGAGAATAAAGAAATCTAATTT-3'

ClinVar aggregate classification (germline): Likely benign. Review status: criteria provided, multiple submitters, no conflicts (2 of 4 stars). 2 submissions from 2 submitters: Likely benign (2). Last evaluated 2024-10-21.

Conditions:
Hereditary leiomyomatosis and renal cell cancer. Also called: MULTIPLE CUTANEOUS AND UTERINE LEIOMYOMATA 1, WITH OR WITHOUT RENAL CELL CARCINOMA; LEIOMYOMA, MULTIPLE CUTANEOUS; Reed syndrome; Multiple cutaneous and uterine leiomyomatosis; Cutaneous leiomyomata with uterine leiomyomata; Leiomyoma, hereditary multiple, of skin. Identifiers: Orphanet 523, MedGen C1708350, MONDO:0007888, OMIM 150800, HP:0007437. Disease mechanism: loss of function.

gnomAD v4.1: 2 of 1,613,748 alleles (0.00012%); highest among the groups gnomAD compares: South Asian, 0.0011%; no homozygotes.

Submissions (2):

Myriad Genetics, Inc.
Classification: Likely benign for Hereditary leiomyomatosis and renal cell cancer. Last evaluated: 2024-10-21. Review status: criteria provided, single submitter. Criteria: Myriad Autosomal Dominant, Autosomal Recessive and X-Linked Classification Criteria (2023). Collection method: clinical testing. Allele origin: unknown.
Comment: This variant is considered likely benign. This variant is intronic and is not expected to impact mRNA splicing.

Labcorp Genetics (formerly Invitae), Labcorp
Classification: Likely benign. Last evaluated: 2024-02-05. Review status: criteria provided, single submitter. Criteria: Invitae Variant Classification Sherloc (09022015). Collection method: clinical testing. Allele origin: germline.